The following is an entry in ClinVar:

NM_001482.3(GATM):c.551del (p.Met184fs)

Gene: GATM (glycine amidinotransferase; minus strand). Cytogenetic location: 15q21.1.
Variant type: Deletion.
Coding change: c.551del on transcript NM_001482.3 (MANE Select); coding-DNA position 551, one base deleted (T; older notation c.551delT).
Protein change: p.Met184fs; shifts the reading frame from methionine 184.
Molecular consequence: frameshift variant.
Genome position (GRCh38, 1-based): chr15:45,368,194, A deleted on the plus strand (T on the coding strand, the reverse complement: GATM is on the minus strand). VCF-style (leftmost placement, unchanged base first): chr15-45368193-CA-C. GRCh37 (hg19) VCF-style: chr15-45660391-CA-C.
Other names: c.164del, p.Met55fs (NM_001321015.2); short protein forms M184fs, M55fs.
Identifiers: ClinVar variation 2842677 (VCV002842677.3), dbSNP rs1889480453, ClinGen allele CA969351625.

ClinVar aggregate classification (germline): Pathogenic (1 of 4 stars; one submission).

Conditions:
Arginine:glycine amidinotransferase deficiency (CCDS3). Also called: L-Arginine:Glycine Amidinotransferase (AGAT) Deficiency; AGAT deficiency; L-Arginine:Glycine Amidinotransferase Deficiency; Creatine deficiency syndrome due to AGAT deficiency; GATM deficiency; Cerebral creatine deficiency syndrome 3. Identifiers: Orphanet 35704, MedGen C2675179, MONDO:0012996, OMIM 612718.

Allele frequency attached by ClinVar (database versions not stated): gnomAD 0.00001.

Submission:

Labcorp Genetics (formerly Invitae), Labcorp
Classification: Pathogenic for Arginine:glycine amidinotransferase deficiency. Last evaluated: 2023-03-03. Review status: criteria provided, single submitter. Criteria: Invitae Variant Classification Sherloc (09022015). Collection method: clinical testing. Allele origin: germline.
Comment: This variant has not been reported in the literature in individuals affected with GATM-related conditions. For these reasons, this variant has been classified as Pathogenic. This variant is not present in population databases (gnomAD no frequency). This sequence change creates a premature translational stop signal (p.Met184Argfs*49) in the GATM gene. It is expected to result in an absent or disrupted protein product. Loss-of-function variants in GATM are known to be pathogenic (PMID: 11555793).

Literature cited by the submitters: PubMed 11555793.